The following is an entry in ClinVar:

ClinVar aggregate classification (germline): Pathogenic (1 of 4 stars; one submission).

Submission:

Athena Diagnostics
Classification: Pathogenic. Last evaluated: 2020-02-12. Review status: criteria provided, single submitter. Criteria: Athena Diagnostics Criteria. Collection method: clinical testing. Allele origin: unknown.
Comment: The variant results in a shift of the reading frame, and is therefore predicted to result in the loss of a functional protein. Found in at least one patient with expected phenotype for this gene, and not found in general population data.

NM_015560.2(OPA1):c.985del

Gene: OPA1 (OPA1 mitochondrial dynamin like GTPase; plus strand). Cytogenetic location: 3q29.
Variant type: Deletion.
Coding change: c.985del on transcript NM_015560.2; coding-DNA position 985, one base deleted (G; older notation c.985delG).
Genome position (GRCh38, 1-based): chr3:193,642,765, G deleted; the last of 2 consecutive G bases (chr3:193,642,764-193,642,765); deleting either gives the same sequence. VCF-style (leftmost placement, unchanged base first): chr3-193642763-AG-A. GRCh37 (hg19) VCF-style: chr3-193360552-AG-A.
Identifiers: ClinVar variation 995147 (VCV000995147.3), dbSNP rs2109039412, ClinGen allele CA1139655832.